The following is an entry in ClinVar:

Single allele

Gene: FCGBP (Fc gamma binding protein; minus strand). Cytogenetic location: 19q13.2.
Variant type: single nucleotide variant.
Identifiers: ClinVar variation 4874251 (VCV004874251.2).

ClinVar aggregate classification (germline): Likely benign (1 of 4 stars; one submission).

Submission:

CeGaT Center for Human Genetics Tuebingen
Classification: Likely benign. Last evaluated: 2026-06-01. Review status: criteria provided, single submitter. Criteria: CeGaT Center For Human Genetics Tuebingen Variant Classification Criteria Version 2. Collection method: clinical testing. Allele origin: germline. Affected: yes. Observed: 1 variant allele.
Comment: FCGBP: PM2:Supporting, BP4, BP7